The following is an entry in ClinVar:

ClinVar aggregate classification (germline): Uncertain significance (1 of 4 stars; one submission).

Submission:

GeneDx
Classification: Uncertain significance. Last evaluated: 2019-11-17. Review status: criteria provided, single submitter. Criteria: GeneDx Variant Classification Process June 2021. Collection method: clinical testing. Allele origin: germline. Affected: yes.
Comment: Not observed in large population cohorts (Lek et al., 2016); In silico analysis, which includes protein predictors and evolutionary conservation, supports that this variant does not alter protein structure/function; Has not been previously published as pathogenic or benign to our knowledge

NM_001005273.3(CHD3):c.2806A>G (p.Asn936Asp)

Gene: CHD3 (chromodomain helicase DNA binding protein 3; plus strand). Cytogenetic location: 17p13.1.
Variant type: single nucleotide variant.
Coding change: c.2806A>G on transcript NM_001005273.3 (MANE Select); coding-DNA position 2806, A replaced by G.
Protein change: p.Asn936Asp; replaces asparagine 936 with aspartic acid.
Molecular consequence: missense variant.
Genome position (GRCh38, 1-based): chr17:7,900,559, A>G. VCF-style: chr17-7900559-A-G. GRCh37 (hg19) VCF-style: chr17-7803877-A-G.
Other names: c.2983A>G, p.Asn995Asp (NM_001005271.3); c.2806A>G, p.Asn936Asp (NM_005852.4); short protein forms N936D, N995D.
Identifiers: ClinVar variation 1310129 (VCV001310129.2), dbSNP rs2151574702, ClinGen allele CA397940385.
Genomic context (GRCh38, chr17:7,900,559, plus strand): 5'-CTGAGATCAGGGGCAAGGAACTTGCCGACCTGTTAATTTTCTTCTCTTCTGGCTCTTAGC[A>G]ACTTGGAGGGCTTCCTGGAGGAGTTTGCTGACATATCCAAAGAGGACCAGATCAAGAAAC-3'
Protein context (NP_001005273.1, residues 926-946): LNFLTPERFN[Asn936Asp]LEGFLEEFAD